The following is an entry in ClinVar:

NM_017721.5(CC2D1A):c.1813del (p.Glu605fs)

Gene: CC2D1A (coiled-coil and C2 domain containing 1A; plus strand). Cytogenetic location: 19p13.12.
Variant type: Deletion.
Coding change: c.1813del on transcript NM_017721.5 (MANE Select); coding-DNA position 1813, one base deleted (G; older notation c.1813delG).
Protein change: p.Glu605fs; shifts the reading frame from glutamic acid 605.
Molecular consequence: frameshift variant.
Genome position (GRCh38, 1-based): chr19:13,923,596, G deleted. VCF-style (leftmost placement, unchanged base first): chr19-13923595-TG-T. GRCh37 (hg19) VCF-style: chr19-14034408-TG-T.
Other names: c.1813del, p.Glu605fs (NM_001411138.1); short protein forms E605fs.
Identifiers: ClinVar variation 2750805 (VCV002750805.3), dbSNP rs2513118015, ClinGen allele CA2582869731.

ClinVar aggregate classification (germline): Pathogenic (1 of 4 stars; one submission).

Allele frequency attached by ClinVar (database versions not stated): gnomAD exomes below 0.00001.

Submission:

Labcorp Genetics (formerly Invitae), Labcorp
Classification: Pathogenic. Last evaluated: 2023-08-07. Review status: criteria provided, single submitter. Criteria: Invitae Variant Classification Sherloc (09022015). Collection method: clinical testing. Allele origin: germline.
Comment: This sequence change creates a premature translational stop signal (p.Glu605Lysfs*19) in the CC2D1A gene. It is expected to result in an absent or disrupted protein product. Loss-of-function variants in CC2D1A are known to be pathogenic (PMID: 16033914). This variant is not present in population databases (gnomAD no frequency). This variant has not been reported in the literature in individuals affected with CC2D1A-related conditions. For these reasons, this variant has been classified as Pathogenic.

Literature cited by the submitters: PubMed 16033914.